The following is an entry in ClinVar:

NM_002185.5(IL7R):c.1232C>A (p.Thr411Lys)

Gene: IL7R (interleukin 7 receptor; plus strand). Cytogenetic location: 5p13.2.
Variant type: single nucleotide variant.
Coding change: c.1232C>A on transcript NM_002185.5 (MANE Select); coding-DNA position 1232, C replaced by A.
Protein change: p.Thr411Lys; replaces threonine 411 with lysine.
Molecular consequence: missense variant. On other transcripts: non-coding transcript variant (1).
Genome position (GRCh38, 1-based): chr5:35,876,338, C>A. VCF-style: chr5-35876338-C-A. GRCh37 (hg19) VCF-style: chr5-35876440-C-A.
Other names: short protein forms T411K.
Identifiers: ClinVar variation 942781 (VCV000942781.10), dbSNP rs1760216117, ClinGen allele CA359433768.

ClinVar aggregate classification (germline): Uncertain significance (1 of 4 stars; one submission).

Conditions:
Immunodeficiency 104. Also called: IMMUNODEFICIENCY 104, SEVERE COMBINED; SCID, AUTOSOMAL RECESSIVE, T CELL-NEGATIVE, B CELL-POSITIVE, NK CELL-POSITIVE; Severe combined immunodeficiency, autosomal recessive, T cell-negative, B cell-positive, NK cell-positive; Severe Combined Immune Deficiency, Autosomal Recessive, TCell -Negative, B Cell-Positive, NK Cell-Positive, IL7R-Related. Identifiers: MedGen C5676890, MONDO:0012163, OMIM 608971.

Submission:

Labcorp Genetics (formerly Invitae), Labcorp
Classification: Uncertain significance for Immunodeficiency 104. Last evaluated: 2019-09-27. Review status: criteria provided, single submitter. Criteria: Invitae Variant Classification Sherloc (09022015). Collection method: clinical testing. Allele origin: germline.
Comment: In summary, the available evidence is currently insufficient to determine the role of this variant in disease. Therefore, it has been classified as a Variant of Uncertain Significance. Algorithms developed to predict the effect of missense changes on protein structure and function are either unavailable or do not agree on the potential impact of this missense change (SIFT: "Tolerated"; PolyPhen-2: "Possibly Damaging"; Align-GVGD: "Class C25"). This variant has not been reported in the literature in individuals with IL7R-related conditions. This variant is not present in population databases (ExAC no frequency). This sequence change replaces threonine with lysine at codon 411 of the IL7R protein (p.Thr411Lys). The threonine residue is highly conserved and there is a moderate physicochemical difference between threonine and lysine.